The following is an entry in ClinVar:

NM_000219.6(KCNE1):c.153G>C (p.Leu51=)

Gene: KCNE1 (potassium voltage-gated channel subfamily E regulatory subunit 1; minus strand). Cytogenetic location: 21q22.12.
Variant type: single nucleotide variant.
Coding change: c.153G>C on transcript NM_000219.6 (MANE Select); coding-DNA position 153, G replaced by C.
Protein change: p.Leu51=; no amino-acid change (leucine 51 retained).
Molecular consequence: synonymous variant.
Genome position (GRCh38, 1-based): chr21:34,449,482, C>G on the plus strand (G>C on the coding strand, the complement: KCNE1 is on the minus strand). VCF-style: chr21-34449482-C-G. GRCh37 (hg19) VCF-style: chr21-35821780-C-G.
Other names: c.153G>C, p.Leu51= (NM_001127668.4, NM_001127669.4, NM_001127670.4 and 4 more transcripts).
Identifiers: ClinVar variation 3374187 (VCV003374187.2).

Conditions:
Long QT syndrome 5 (LQT5). Identifiers: Orphanet 101016, Orphanet 768, MedGen C1867904, MONDO:0013372, OMIM 613695.

Submission:

Roden Lab, Vanderbilt University Medical Center
No classification provided (evidence only). Condition: Long QT syndrome 5. Review status: no classification provided. Collection method: in vitro. Allele origin: not applicable. Functional consequence: Effect on ion channel function.
ClinVar note: "not provided" was previously submitted as the classification for the variant. However, the classification appeared to be based only on an observation of functional data so it was converted to no classification on 2025-07-30.